The following is an entry in ClinVar:

NM_006231.4(POLE):c.3583-12dup

Gene: POLE (DNA polymerase epsilon, catalytic subunit; minus strand). Cytogenetic location: 12q24.33.
Variant type: Duplication.
Coding change: c.3583-12dup on transcript NM_006231.4 (MANE Select); 12 bases into the intron before coding-DNA position 3583, one base duplicated (G; older notation c.3583-12dupG).
Molecular consequence: intron variant.
Genome position (GRCh38, 1-based): chr12:132,649,899, C duplicated on the plus strand (G on the coding strand, the reverse complement: POLE is on the minus strand); the first of 3 consecutive C bases (chr12:132,649,899-132,649,901); duplicating any one gives the same sequence. VCF-style (leftmost placement, unchanged base first): chr12-132649898-A-AC. GRCh37 (hg19) VCF-style: chr12-133226484-A-AC.
Other names: c.3583-10dupG (NM_006231.3).
Identifiers: ClinVar variation 240471 (VCV000240471.15), dbSNP rs766426579, ClinGen allele CA6893165.
Genomic context (GRCh38, chr12:132,649,898, plus strand): 5'-TGTCAGGAGCACTTGGCCTCGGACTGTCTTCTGAGGCCTCGGCCATCGTGACCTGGAAAG[A>AC]CCCAGTGAAGCCTTAAATCTCAGGATCTCGGGCTGCGCAGGGTGGCTCATGCCTGGAATG-3'

ClinVar aggregate classification (germline): Likely benign. Review status: criteria provided, multiple submitters, no conflicts (2 of 4 stars). 2 submissions from 2 submitters: Likely benign (2). Last evaluated 2026-02-03.

Submissions (2):

Labcorp Genetics (formerly Invitae), Labcorp
Classification: Likely benign. Last evaluated: 2026-02-03. Review status: criteria provided, single submitter. Criteria: Invitae Variant Classification Sherloc (09022015). Collection method: clinical testing. Allele origin: germline.

GeneDx
Classification: Likely benign. Last evaluated: 2023-11-06. Review status: criteria provided, single submitter. Criteria: GeneDx Variant Classification Process June 2021. Collection method: clinical testing. Allele origin: germline. Affected: yes.
Comment: See Variant Classification Assertion Criteria.